The following is an entry in ClinVar:

ClinVar aggregate classification (germline): Likely benign (0 of 4 stars; one submission).

Conditions:
MYRF-related disorder. Also called: MYRF-related condition; MYRF-related disorders.

Allele frequency attached by ClinVar (database versions not stated): ExAC 0.11911.

Submission:

PreventionGenetics, part of Exact Sciences
Classification: Likely benign for MYRF-related condition. Last evaluated: 2020-12-26. Review status: no assertion criteria provided. Collection method: clinical testing. Allele origin: germline.
Comment: This variant is classified as likely benign based on ACMG/AMP sequence variant interpretation guidelines (Richards et al. 2015 PMID: 25741868, with internal and published modifications).

NM_001127392.3(MYRF):c.567G>C (p.Pro189=)

Gene: MYRF (myelin regulatory factor; plus strand). Cytogenetic location: 11q12.2.
Variant type: single nucleotide variant.
Coding change: c.567G>C on transcript NM_001127392.3 (MANE Select); coding-DNA position 567, G replaced by C.
Protein change: p.Pro189=; no amino-acid change (proline 189 retained).
Molecular consequence: synonymous variant.
Genome position (GRCh38, 1-based): chr11:61,770,352, G>C. VCF-style: chr11-61770352-G-C. GRCh37 (hg19) VCF-style: chr11-61537824-G-C.
Other names: c.540G>C, p.Pro180= (NM_013279.4).
Identifiers: ClinVar variation 3037214 (VCV003037214.2), dbSNP rs758959850, ClinGen allele CA6037588.
Genomic context (GRCh38, chr11:61,770,352, plus strand): 5'-GGGAGTGCCCTCCCGCCTGGAGCATCCGCCCCCACCTCCAGCCCACTTGCCAGGCCCCCC[G>C]CCACCCCCACCACCCCCACCTCACTACCCTGTCCTGCAGCGGGATCTGTACATGAAGGCC-3'
Protein context (NP_001120864.1, residues 179-199): PPPPAHLPGP[Pro189=]PPPPPPPHYP